The following is an entry in ClinVar:

ClinVar aggregate classification (germline): Uncertain significance (1 of 4 stars; one submission).

Conditions:
Inborn genetic diseases. Identifiers: MedGen C0950123, MeSH D030342.

Submission:

Ambry Genetics
Classification: Uncertain significance for Inborn genetic diseases. Last evaluated: 2025-11-03. Review status: criteria provided, single submitter. Criteria: Ambry Variant Classification Scheme 2023. Collection method: clinical testing. Allele origin: germline.
Comment: The c.367G>A (p.V123M) alteration is located in exon 5 (coding exon 4) of the PHF8 gene. This alteration results from a G to A substitution at nucleotide position 367, causing the valine (V) at amino acid position 123 to be replaced by a methionine (M). Based on data from gnomAD, the A allele has an overall frequency of <0.001% (1/183430) total alleles studied. The highest observed frequency was 0.004% (1/27422) of Latino alleles. Based on insufficient or conflicting evidence, the clinical significance of this alteration remains unclear.

NM_015107.3(PHF8):c.367G>A (p.Val123Met)

Gene: PHF8 (PHD finger protein 8; minus strand). Cytogenetic location: Xp11.22.
Variant type: single nucleotide variant.
Coding change: c.367G>A on transcript NM_015107.3 (MANE Select); coding-DNA position 367, G replaced by A.
Protein change: p.Val123Met; replaces valine 123 with methionine.
Molecular consequence: missense variant.
Genome position (GRCh38, 1-based): chrX:54,017,748, C>T on the plus strand (G>A on the coding strand, the complement: PHF8 is on the minus strand). VCF-style: chrX-54017748-C-T. GRCh37 (hg19) VCF-style: chrX-54044181-C-T.
Other names: c.367G>A, p.Val123Met (NM_001184897.2, NM_001184898.2); c.475G>A, p.Val159Met (NM_001441096.1, NM_001441097.1, NM_001441098.1 and 1 more transcripts); short protein forms V123M, V159M.
Identifiers: ClinVar variation 4627373 (VCV004627373.1).